The following is an entry in ClinVar:

NM_024009.3(GJB3):c.616C>T (p.Leu206Phe)

Gene: GJB3 (gap junction protein beta 3; plus strand). Cytogenetic location: 1p34.3.
Variant type: single nucleotide variant.
Coding change: c.616C>T on transcript NM_024009.3 (MANE Select); coding-DNA position 616, C replaced by T.
Protein change: p.Leu206Phe; replaces leucine 206 with phenylalanine.
Molecular consequence: missense variant.
Genome position (GRCh38, 1-based): chr1:34,785,378, C>T. VCF-style: chr1-34785378-C-T. GRCh37 (hg19) VCF-style: chr1-35250979-C-T.
Other names: c.616C>T, p.Leu206Phe (NM_001005752.2); short protein forms L206F.
Identifiers: ClinVar variation 1311868 (VCV001311868.2), dbSNP rs769036573, ClinGen allele CA754868.
Genomic context (GRCh38, chr1:34,785,378, plus strand): 5'-ATCTTCACCTACTTCATGGTGGGCGCCTCCGCCGTCTGCATCGTACTCACCATCTGTGAG[C>T]TCTGCTACCTCATCTGCCACAGGGTCCTGCGAGGCCTGCACAAGGACAAGCCTCGAGGGG-3'
Protein context (NP_076872.1, residues 196-216): AVCIVLTICE[Leu206Phe]CYLICHRVLR

ClinVar aggregate classification (germline): Uncertain significance (1 of 4 stars; one submission).

Allele frequency attached by ClinVar (database versions not stated): gnomAD exomes below 0.00001; ExAC 0.00001; TOPMed 0.00001.

Submission:

GeneDx
Classification: Uncertain significance. Last evaluated: 2020-01-08. Review status: criteria provided, single submitter. Criteria: GeneDx Variant Classification Process June 2021. Collection method: clinical testing. Allele origin: germline. Affected: yes.
Comment: In silico analysis, which includes protein predictors and evolutionary conservation, supports that this variant does not alter protein structure/function; The majority of missense variants in this gene are considered pathogenic (Stenson et al., 2014); Has not been previously published as pathogenic or benign to our knowledge